The following is an entry in ClinVar:

ClinVar aggregate classification (germline): Uncertain significance (1 of 4 stars; one submission).

Conditions:
Charcot-Marie-Tooth disease type 2. Also called: Charcot-Marie-Tooth type 2. Identifiers: Orphanet 64746, MedGen C0270914, MONDO:0018993.

Submission:

Labcorp Genetics (formerly Invitae), Labcorp
Classification: Uncertain significance for Charcot-Marie-Tooth disease type 2. Last evaluated: 2025-01-08. Review status: criteria provided, single submitter. Criteria: Invitae Variant Classification Sherloc (09022015). Collection method: clinical testing. Allele origin: germline.
Comment: This sequence change replaces arginine, which is basic and polar, with glycine, which is neutral and non-polar, at codon 275 of the LMNA protein (p.Arg275Gly). This variant is not present in population databases (gnomAD no frequency). This missense change has been observed in individual(s) with lipid storage myopathy (PMID: 32140910). Invitae Evidence Modeling of protein sequence and biophysical properties (such as structural, functional, and spatial information, amino acid conservation, physicochemical variation, residue mobility, and thermodynamic stability) indicates that this missense variant is expected to disrupt LMNA protein function with a positive predictive value of 95%. In summary, the available evidence is currently insufficient to determine the role of this variant in disease. Therefore, it has been classified as a Variant of Uncertain Significance.

Literature cited by the submitters: PubMed 32140910.

NM_170707.4(LMNA):c.823A>G (p.Arg275Gly)

Gene: LMNA (lamin A/C; plus strand). Cytogenetic location: 1q22.
Variant type: single nucleotide variant.
Coding change: c.823A>G on transcript NM_170707.4 (MANE Select); coding-DNA position 823, A replaced by G.
Protein change: p.Arg275Gly; replaces arginine 275 with glycine.
Molecular consequence: missense variant. On other transcripts: synonymous variant (4).
Genome position (GRCh38, 1-based): chr1:156,135,199, A>G. VCF-style: chr1-156135199-A-G. GRCh37 (hg19) VCF-style: chr1-156104990-A-G.
Other names: c.487A>G, p.Arg163Gly (NM_001257374.3, NM_001406998.1, NM_001406989.1); c.580A>G, p.Arg194Gly (NM_001282624.2, NM_001406986.1, NM_001406987.1); c.823A>G, p.Arg275Gly (NM_001406991.1, NM_001406992.1, NM_005572.4 and 6 more transcripts); c.265A>G, p.Arg89Gly (NM_001406993.1, NM_001406995.1, NM_001406996.1 and 4 more transcripts); c.159A>G, p.Pro53= (NM_001406994.1, NM_001406999.1, NM_001407000.1 and 1 more transcripts); c.526A>G, p.Arg176Gly (NM_001406988.1); short protein forms R275G, R176G, R194G, R163G, R89G.
Identifiers: ClinVar variation 3677000 (VCV003677000.2).